The following is an entry in ClinVar:

NM_000256.3(MYBPC3):c.1892del (p.Phe631fs)

Gene: MYBPC3 (myosin binding protein C3; minus strand). Cytogenetic location: 11p11.2.
Variant type: Deletion.
Coding change: c.1892del on transcript NM_000256.3 (MANE Select); coding-DNA position 1892, one base deleted (T; older notation c.1892delT).
Protein change: p.Phe631fs; shifts the reading frame from phenylalanine 631.
Molecular consequence: frameshift variant.
Genome position (GRCh38, 1-based): chr11:47,341,143, A deleted on the plus strand (T on the coding strand, the reverse complement: MYBPC3 is on the minus strand); the first of 2 consecutive A bases (chr11:47,341,143-47,341,144); deleting either gives the same sequence. VCF-style (leftmost placement, unchanged base first): chr11-47341142-GA-G. GRCh37 (hg19) VCF-style: chr11-47362693-GA-G.
Other names: c.1892del, p.Phe631fs (LRG_386t1); c.1892delT (NM_000256.3); short protein forms F631fs.
Identifiers: ClinVar variation 42580 (VCV000042580.5), dbSNP rs397515933, ClinGen allele CA011401.

ClinVar aggregate classification (germline): Pathogenic. Review status: criteria provided, multiple submitters, no conflicts (2 of 4 stars). 2 submissions from 2 submitters: Pathogenic (2). Last evaluated 2017-09-06.

Conditions:
Hypertrophic cardiomyopathy. Also called: HYPERTROPHIC MYOCARDIOPATHY. Identifiers: Orphanet 217569, MedGen C0007194, MeSH D002312, MONDO:0005045, HP:0001639.

Submissions (2):

GeneDx
Classification: Pathogenic. Last evaluated: 2017-09-06. Review status: criteria provided, single submitter. Criteria: GeneDx Variant Classification (06012015). Collection method: clinical testing. Allele origin: germline. Affected: yes.
Comment: The c.1892delT pathogenic variant in the MYBPC3 gene has been reported in association with hypertrophic cardiomyopathy (HCM) (Ho et al., 2017; Walsh et al., 2017). Furthermore, this variant has been classified as a pathogenic variant by another clinical laboratory in ClinVar (SCV000059096.4; Landrum et al., 2016). This variant causes a shift in reading frame starting at codon phenylalanine 631, changing it to a serine, and creating a premature stop codon at position 32 of the new reading frame, denoted p.Phe631SerfsX32. This pathogenic variant is expected to result in either an abnormal, truncated protein product or loss of protein from this allele through nonsense-mediated mRNA decay. Other frameshift variants in the MYBPC3 gene have been reported in Human Gene Mutation Database in association with cardiomyopathy (Stenson et al., 2014), indicating that loss of function is a mechanism of disease for this gene. Furthermore, the c.1892delT variant has not been observed in large population cohorts (Lek et al., 2016; 1000 Genomes Consortium et al., 2015; Exome Variant Server).

Laboratory for Molecular Medicine, Mass General Brigham Personalized Medicine
Classification: Pathogenic for Hypertrophic cardiomyopathy. Last evaluated: 2011-12-27. Review status: criteria provided, single submitter. Criteria: LMM Criteria. Collection method: clinical testing. Allele origin: germline. Observed: 10 variant alleles.
Comment: This low frequency is consistent with a pathogenic role. T his variant is predicted to cause a frameshift, which alters the protein's amino acid sequence beginning at codon 631 and leads to a premature stop codon 32 ami no acids downstream. This alteration is then predicted to lead to a truncated or absent protein (loss-of-function). Loss-of-function of the MYBPC gene is an est ablished disease mechanism and typically leads to HCM, which is consistent with the phenotype of the proband tested by our laboratory. Therefore, this variant m eets our criteria for pathogenicity based on low frequency and predicted impact on the protein.